The following continues an entry in ClinVar:

NM_007294.4(BRCA1):c.4327C>T (p.Arg1443Ter)

Gene: BRCA1. ClinVar aggregate classification (germline): Pathogenic. Pathogenic (1).

Submissions 11 to 18 of 59:

Ambry Genetics
Classification: Pathogenic for Hereditary cancer-predisposing syndrome. Last evaluated: 2024-12-03. Review status: criteria provided, single submitter. Criteria: Ambry Variant Classification Scheme 2023. Collection method: clinical testing. Allele origin: germline. Not counted in ClinVar's aggregate classification.
Comment: The p.R1443* pathogenic mutation (also known as c.4327C>T), located in coding exon 11 of the BRCA1 gene, results from a C to T substitution at nucleotide position 4327. This changes the amino acid from an arginine to a stop codon within coding exon 11. This mutation is a well-known French Canadian founder mutation and has been reported in numerous breast and/or ovarian cancer families to date (Ferla R et al. Ann. Oncol. 2007 Jun;18 Suppl 6:vi93-8; Ghadirian P et al. Clin. Genet. 2009 Nov;76(5):421-6; Janavicius R et al. EPMA J. 2010 Sep;1(3):397-412; Zhang S et al. Gynecol. Oncol. 2011 May;121(2):353-7). In addition to French Canadians, this mutation has also been identified in multiple other populations (McKean-Cowdin R et al. Hum. Genet. 2005 May;116(6):497-506; Donenberg T et al. Breast Cancer Res. Treat. 2016 Aug;159(1):131-8; Jalkh N et al. BMC Med Genomics 2017 Feb;10(1):8; Palmero EI et al. Sci Rep. 2018 Jun;8(1):9188; Singh J et al. Breast Cancer Res. Treat. 2018 Jul;170(1):189-196). Of note, this alteration is also designated as 4446C>T and R1443X in some published literature. In addition to the clinical data presented in the literature, this alteration is expected to result in loss of function by premature protein truncation or nonsense-mediated mRNA decay. As such, this alteration is interpreted as a disease-causing mutation.

ARUP Laboratories, Molecular Genetics and Genomics, ARUP Laboratories
Classification: Pathogenic. Last evaluated: 2024-10-22. Review status: criteria provided, single submitter. Criteria: ARUP Molecular Germline Variant Investigation Process 2024. Collection method: clinical testing. Allele origin: germline. Not counted in ClinVar's aggregate classification.
Comment: The BRCA1 c.4327C>T; p.Arg1443Ter variant (rs41293455), also known as 4446C>T for traditional nomenclature, is reported in the literature in multiple individuals with hereditary breast and ovarian cancer syndrome (Castilla 1994, de Jonge 2017, Rashid 2016, Sun 2017, Susswein 2016, Zhang 2011). This variant is also described as a founder variant in the French-Canadian population (Cavallone 2010, Neuhausen 2000, Tonin 1999, Vezina 2005). The p.Arg1443Ter variant is reported in ClinVar (Variation ID: 17675) and is classified as pathogenic by the evidence-based network for the interpretation of germline mutant alleles (ENIGMA) expert panel (see link to ENIGMA consortium classification criteria). This variant is found in the general population with an overall allele frequency of 0.0025% (7/282,760 alleles) in the Genome Aggregation Database. The p.Arg1443Ter variant induces an early termination codon and is predicted to result in a truncated protein or mRNA subject to nonsense-mediated decay. Based on available information, this variant is considered to be pathogenic. References: Link to ENIGMA classification criteria: Castilla LH et al. Mutations in the BRCA1 gene in families with early-onset breast and ovarian cancer. Nat Genet. 1994 Dec;8(4):387-91. PMID: 7894491. Cavallone L et al. Comprehensive BRCA1 and BRCA2 mutation analyses and review of French Canadian families with at least three cases of breast cancer. Fam Cancer. 2010 Dec;9(4):507-17. PMID: 20694749. de Jonge MM et al. Linking uterine serous carcinoma to BRCA1/2-associated cancer syndrome: A meta-analysis and case report. Eur J Cancer. 2017 Feb;72:215-225. PMID: 28049106. Neuhausen SL. Founder populations and their uses for breast cancer genetics. Breast Cancer Res. 2000;2(2):77-81. PMID: 11250694. Rashid MU et al. High prevalence and predominance of BRCA1 germline mutations in Pakistani triple-negative breast cancer patients. BMC Cancer. 2016 Aug 23;16(1):673. PMID: 27553291. Sun J et al. Germline Mutations in Cancer Susceptibility Genes in a Large Series of Unselected Breast Cancer Patients. Clin Cancer Res. 2017 Oct 15;23(20):6113-6119. PMID: 28724667. Susswein LR et al. Pathogenic and likely pathogenic variant prevalence among the first 10,000 patients referred for next-generation cancer panel testing. Genet Med. 2016 Aug;18(8):823-32. PMID: 26681312. Tonin PN et al. Founder BRCA1 and BRCA2 mutations in French Canadian ovarian cancer cases unselected for family history. Clin Genet. 1999 May;55(5):318-24. PMID: 10422801. Vezina H et al. Molecular and genealogical characterization of the R1443X BRCA1 mutation in high-risk French-Canadian breast/ovarian cancer families. Hum Genet. 2005 Jul;117(2-3):119-32. PMID: 15883839. Zhang S et al. Frequencies of BRCA1 and BRCA2 mutations among 1,342 unselected patients with invasive ovarian cancer. Gynecol Oncol. 2011 May 1;121(2):353-7. PMID: 21324516.

Rady Children's Institute for Genomic Medicine, Rady Children's Hospital San Diego
Classification: Pathogenic for BRCA1-related disorders. Last evaluated: 2024-10-17. Review status: criteria provided, single submitter. Criteria: ACMG Guidelines, 2015. Collection method: clinical testing. Allele origin: germline. Affected: yes. Not counted in ClinVar's aggregate classification.
Comment: This variant is also referred to as c.4446C>T in the literature. This nonsense variant found in exon 12 of 24 is predicted to result in loss of normal protein function through either protein truncation or nonsense-mediated mRNA decay. Loss-of-function variation in BRCA1 is an established mechanism of disease (PMID: 20301425). This variant has been previously reported as a heterozygous change in individuals with breast and ovarian cancer (PMID: 16030099, 19656415, 22798144, 23233716). The c.4327C>T (p.Arg1443Ter) variant is a founder variant in the French-Canadian population (PMID: 15883839). This variant is present in the latest version of the gnomAD population database at an allele frequency of 0.001% (20/1613954) and thus is presumed to be rare. Based on the available evidence, c.4327C>T (p.Arg1443Ter) is classified as Pathogenic.

All of Us Research Program, National Institutes of Health
Classification: Pathogenic for BRCA1-related cancer predisposition. Last evaluated: 2024-09-23. Review status: criteria provided, single submitter. Criteria: ACMG Guidelines, 2015. Collection method: clinical testing. Allele origin: germline. Inheritance: Autosomal dominant inheritance. Observed: 4 variant alleles, 4 heterozygotes. Not counted in ClinVar's aggregate classification.
Comment: This variant changes 1 nucleotide in exon 12 of the BRCA1 gene, creating a premature translation stop signal. This variant is expected to result in an absent or non-functional protein product. This variant has been reported in at least 30 individuals affected with breast, ovarian and uterine cancer (PMID: 7894491, 10422801, 10682662, 11179017, 15726418, 17221156, 19656415, 19863560, 20104584, 21324516, 22798144, 26681312, 27553291, 28724667, 28993434, 29470806, 33471991; Leiden Open Variation Database DB-ID BRCA1_000312). A breast cancer case-control meta-analysis detected this variant in 9/41890 cases and 1/41607 unaffected individuals with an OR 8.3 (95% CI 1.05-16.0) (PMID: 28283652). This variant has been detected in over 100 suspected hereditary breast and ovarian cancer families (PMID: 7493024, 16030099, 18821011, 19241424, 19329713, 21203900, 23233716, 29907814), in which haplotype analyses suggest that this was a founder mutation in the French-Canadian population and also arose independently worldwide (PMID: 9792861, 15883839, 23199084). This variant has been identified in 7/282760 chromosomes in the general population by the Genome Aggregation Database (gnomAD). Loss of BRCA1 function is a known mechanism of disease. Based on the available evidence, this variant is classified as Pathogenic.

This study involves interpretation of variants in research participants for the purpose of population health screening. Participant phenotype was not available at the time of variant classification. Additional details can be found in publication PMID: 35346344, PMCID: PMC8962531

Color Diagnostics, LLC DBA Color Health
Classification: Pathogenic for Hereditary cancer-predisposing syndrome. Last evaluated: 2024-06-24. Review status: criteria provided, single submitter. Criteria: ACMG Guidelines, 2015. Collection method: clinical testing. Allele origin: germline. Not counted in ClinVar's aggregate classification.
Comment: This variant changes 1 nucleotide in exon 12 of the BRCA1 gene, creating a premature translation stop signal. This variant is expected to result in an absent or non-functional protein product. This variant has been reported in at least 30 individuals affected with breast, ovarian and uterine cancer (PMID: 7894491, 10422801, 10682662, 11179017, 15726418, 17221156, 19656415, 19863560, 20104584, 21324516, 22798144, 26681312, 27553291, 28724667, 28993434, 29470806, 33471991; Leiden Open Variation Database DB-ID BRCA1_000312). A breast cancer case-control meta-analysis detected this variant in 9/41890 cases and 1/41607 unaffected individuals with an OR 8.3 (95% CI 1.05-16.0) (PMID: 28283652). This variant has been detected in over 100 suspected hereditary breast and ovarian cancer families (PMID: 7493024, 16030099, 18821011, 19241424, 19329713, 21203900, 23233716, 29907814), in which haplotype analyses suggest that this was a founder mutation in the French-Canadian population and also arose independently worldwide (PMID: 9792861, 15883839, 23199084). This variant has been identified in 7/282760 chromosomes in the general population by the Genome Aggregation Database (gnomAD). Loss of BRCA1 function is a known mechanism of disease. Based on the available evidence, this variant is classified as Pathogenic.

Department of Clinical Genetics, Copenhagen University Hospital, Rigshospitalet
Classification: Pathogenic for Breast-ovarian cancer, familial, susceptibility to, 1. Last evaluated: 2024-05-27. Review status: criteria provided, single submitter. Criteria: ACMG Guidelines, 2015. Collection method: clinical testing. Allele origin: germline. Affected: yes. Not counted in ClinVar's aggregate classification.
Comment: PVS1; PM5_PTC_Strong

Baylor Genetics
Classification: Pathogenic for Breast-ovarian cancer, familial, susceptibility to, 1. Last evaluated: 2024-02-23. Review status: criteria provided, single submitter. Criteria: ACMG Guidelines, 2015. Collection method: clinical testing. Allele origin: unknown. Not counted in ClinVar's aggregate classification.

Mayo Clinic Laboratories, Mayo Clinic
Classification: Pathogenic. Last evaluated: 2023-12-05. Review status: criteria provided, single submitter. Criteria: ACMG Guidelines, 2015. Collection method: clinical testing. Allele origin: germline. Not counted in ClinVar's aggregate classification.
Comment: PP5, PM2_moderate, PS4_moderate, PVS1